The following is an entry in ClinVar:

ClinVar aggregate classification (germline): Uncertain significance (1 of 4 stars; one submission).

Conditions:
Hereditary cancer-predisposing syndrome. Also called: Hereditary Cancer Syndrome; Tumor predisposition; Hereditary neoplastic syndrome; Neoplastic Syndromes, Hereditary. Identifiers: Orphanet 140162, MedGen C0027672, MeSH D009386, MONDO:0015356.

gnomAD v4.1: 1 of 1,612,558 alleles (0.000062%); highest among the groups gnomAD compares: Non-Finnish European, 0.000085%; no homozygotes.

Submission:

Ambry Genetics
Classification: Uncertain significance for Hereditary cancer-predisposing syndrome. Last evaluated: 2024-10-24. Review status: criteria provided, single submitter. Criteria: Ambry Variant Classification Scheme 2023. Collection method: clinical testing. Allele origin: germline.
Comment: The p.F193I variant (also known as c.577T>A), located in coding exon 6 of the MRE11A gene, results from a T to A substitution at nucleotide position 577. The phenylalanine at codon 193 is replaced by isoleucine, an amino acid with highly similar properties. This amino acid position is highly conserved in available vertebrate species. In addition, this alteration is predicted to be deleterious by in silico analysis. Based on the available evidence, the clinical significance of this variant remains unclear.

NM_005591.4(MRE11):c.577T>A (p.Phe193Ile)

Gene: MRE11 (MRE11 double strand break repair nuclease; minus strand). Cytogenetic location: 11q21.
Variant type: single nucleotide variant.
Coding change: c.577T>A on transcript NM_005591.4 (MANE Select); coding-DNA position 577, T replaced by A.
Protein change: p.Phe193Ile; replaces phenylalanine 193 with isoleucine.
Molecular consequence: missense variant.
Genome position (GRCh38, 1-based): chr11:94,476,371, A>T on the plus strand (T>A on the coding strand, the complement: MRE11 is on the minus strand). VCF-style: chr11-94476371-A-T. GRCh37 (hg19) VCF-style: chr11-94209537-A-T.
Other names: c.577T>A, p.Phe193Ile (NM_001330347.2, NM_005590.4); short protein forms F193I.
Identifiers: ClinVar variation 3397828 (VCV003397828.1).